The following is an entry in ClinVar:

ClinVar aggregate classification (germline): Uncertain significance (1 of 4 stars; one submission).

Conditions:
Familial intrahepatic cholestasis. Identifiers: Orphanet 284385, MedGen CN296401, MONDO:0017290.

Submission:

Genomenon, Inc
Classification: Uncertain significance for Familial intrahepatic cholestasis. Last evaluated: 2026-04-14. Review status: criteria provided, single submitter. Criteria: Genomenon Sequence Variant Interpretation Standards - Updated. Collection method: curation. Allele origin: germline. Affected: yes.
Comment: ABCB11 p.Ile74Arg (c.221T>G) is a missense variant that changes the amino acid at residue 74 from Isoleucine to Arginine. This variant has been observed in at least one proband with an ABCB11-related disorder (PMID:23446990). It is absent or not present at a significant frequency in gnomAD. In conclusion, we classify ABCB11 p.Ile74Arg (c.221T>G) as a variant of uncertain significance.

Literature cited by the submitters: PubMed 23446990.

NM_003742.4(ABCB11):c.221T>G (p.Ile74Arg)

Gene: ABCB11 (ATP binding cassette subfamily B member 11; minus strand). Cytogenetic location: 2q31.1.
Variant type: single nucleotide variant.
Coding change: c.221T>G on transcript NM_003742.4 (MANE Select); coding-DNA position 221, T replaced by G.
Protein change: p.Ile74Arg; replaces isoleucine 74 with arginine.
Molecular consequence: missense variant.
Genome position (GRCh38, 1-based): chr2:169,013,440, A>C on the plus strand (T>G on the coding strand, the complement: ABCB11 is on the minus strand). VCF-style: chr2-169013440-A-C. GRCh37 (hg19) VCF-style: chr2-169869950-A-C.
Other names: short protein forms I74R.
Identifiers: ClinVar variation 4846060 (VCV004846060.1).
Genomic context (GRCh38, chr2:169,013,440, plus strand): 5'-TCGTAGTCAATAAAAACATCTGTCATTGTGCCAAAAATGAGTAGCACGCCTGGCTGGGCT[A>C]TTCCATGGAGAAATGCACACAAACTTCCCACAAACATCAGCCAAATGTCAGTTGATGAAG-3'
Protein context (NP_003733.2, residues 64-84): VGSLCAFLHG[Ile74Arg]AQPGVLLIFG